The following is an entry in ClinVar:

NM_000231.3(SGCG):c.385G>A (p.Gly129Ser)

Gene: SGCG (sarcoglycan gamma; plus strand). Cytogenetic location: 13q12.12.
Variant type: single nucleotide variant.
Coding change: c.385G>A on transcript NM_000231.3 (MANE Select); coding-DNA position 385, G replaced by A.
Protein change: p.Gly129Ser; replaces glycine 129 with serine.
Molecular consequence: missense variant.
Genome position (GRCh38, 1-based): chr13:23,250,717, G>A. VCF-style: chr13-23250717-G-A. GRCh37 (hg19) VCF-style: chr13-23824856-G-A.
Other names: p.Gly129Ser; c.439G>A, p.Gly147Ser (NM_001378244.1); c.385G>A, p.Gly129Ser (NM_001378245.1, NM_001378246.1); c.385G>A (NM_000231.2); short protein forms G129S, G147S.
Identifiers: ClinVar variation 286274 (VCV000286274.12), dbSNP rs747046381, ClinGen allele CA6909660.

ClinVar aggregate classification (germline): Conflicting classifications of pathogenicity. Review status: criteria provided, conflicting classifications (1 of 4 stars). 6 submissions from 6 submitters: Likely pathogenic (1); Uncertain significance (5). Last evaluated 2025-02-16.

Conditions:
Autosomal recessive limb-girdle muscular dystrophy type 2C (LGMDR5). Also called: MUSCULAR DYSTROPHY, LIMB-GIRDLE, AUTOSOMAL RECESSIVE 5; MUSCULAR DYSTROPHY, DUCHENNE-LIKE. Identifiers: Orphanet 353, MedGen C0410173, MONDO:0009677, OMIM 253700. Disease mechanism: Affects gamma-sarcoglycan and also disrupts the integrity of the entire sarcoglycan complex..

Allele frequency attached by ClinVar (database versions not stated): TOPMed 0.00003; ExAC 0.00004; gnomAD 0.00006; gnomAD exomes 0.00006.

Submissions (6):

GeneDx
Classification: Likely pathogenic. Last evaluated: 2025-02-16. Review status: criteria provided, single submitter. Criteria: GeneDx Variant Classification Process June 2021. Collection method: clinical testing. Allele origin: germline. Affected: yes.
Comment: Reported in a cohort of sarcoglycanopathy patients, however no information was provided about the individual(s) with this variant (PMID: 32875335); Alters the last nucleotide of the exon and is predicted to destroy the splice donor site and result in aberrant splicing, although in the absence of functional evidence the actual effect of this sequence change is unknown; Missense variants in this gene are a common cause of disease and they are underrepresented in the general population; This variant is associated with the following publications: (PMID: 28889091, 32875335)

Blueprint Genetics
Classification: Uncertain significance. Last evaluated: 2024-06-27. Review status: criteria provided, single submitter. Criteria: ACMG Guidelines, 2015. Collection method: clinical testing. Allele origin: germline.

Women's Health and Genetics/Laboratory Corporation of America, LabCorp
Classification: Uncertain significance. Last evaluated: 2023-04-12. Review status: criteria provided, single submitter. Criteria: LabCorp Variant Classification Summary - May 2015. Collection method: clinical testing. Allele origin: germline.
Comment: Variant summary: SGCG c.385G>A (p.Gly129Ser) results in a non-conservative amino acid change in the encoded protein sequence. Five of five in-silico tools predict a damaging effect of the variant on protein function. Several computational tools predict a significant impact on normal splicing: Four predict the variant weakens a canonical 5' donor site. However, these predictions have yet to be confirmed by functional studies. The variant allele was found at a frequency of 5.6e-05 in 250684 control chromosomes (gnomAD). This frequency is not significantly higher than estimated for a pathogenic variant in SGCG causing autosomal recessive Limb-Girdle Muscular Dystrophy (5.6e-05 vs 0.00072), allowing no conclusion about variant significance. c.385G>A has been reported in the literature as an uninformative genotype (zygosity not specified) in at least one individual affected with Limb-Girdle Muscular Dystrophy (Alonso-Perez_2020). This report does not provide unequivocal conclusions about association of the variant with autosomal recessive Limb-Girdle Muscular Dystrophy. To our knowledge, no experimental evidence demonstrating an impact on protein function has been reported. Two submitters have provided clinical-significance assessments for this variant to ClinVar after 2014 without evidence for independent evaluation and both classified the variant as uncertain significance. Based on the evidence outlined above, the variant was classified as uncertain significance.

Mayo Clinic Laboratories, Mayo Clinic
Classification: Uncertain significance. Last evaluated: 2022-03-21. Review status: criteria provided, single submitter. Criteria: ACMG Guidelines, 2015. Collection method: clinical testing. Allele origin: germline. Observed: 1 variant allele.
Comment: PP3, PM2

Revvity Omics, Revvity
Classification: Uncertain significance for Autosomal recessive limb-girdle muscular dystrophy type 2C. Last evaluated: 2019-05-23. Review status: criteria provided, single submitter. Criteria: ACMG Guidelines, 2015. Collection method: clinical testing. Allele origin: germline.

Eurofins Ntd Llc (ga)
Classification: Uncertain significance. Last evaluated: 2016-02-16. Review status: criteria provided, single submitter. Criteria: EGL Classification Definitions 2015. Collection method: clinical testing. Allele origin: germline. Observed: 1 variant allele, 1 heterozygote.

Literature cited by the submitters: PubMed 32875335 (cited by Women's Health and Genetics/Laboratory Corporation of America, LabCorp and Mayo Clinic Laboratories, Mayo Clinic); PubMed 28889091 (cited by Mayo Clinic Laboratories, Mayo Clinic).